The following is an entry in ClinVar:

NM_001447.3(FAT2):c.9174C>T (p.Phe3058=)

Genes: FAT2 (FAT atypical cadherin 2; minus strand), SLC36A1 (solute carrier family 36 member 1; plus strand). Cytogenetic location: 5q33.1.
Variant type: single nucleotide variant.
Coding change: c.9174C>T on transcript NM_001447.3 (MANE Select); coding-DNA position 9174, C replaced by T.
Protein change: p.Phe3058=; no amino-acid change (phenylalanine 3058 retained).
Molecular consequence: synonymous variant.
Genome position (GRCh38, 1-based): chr5:151,537,812, G>A on the plus strand (C>T on the coding strand, the complement: FAT2 is on the minus strand). VCF-style: chr5-151537812-G-A. GRCh37 (hg19) VCF-style: chr5-150917373-G-A.
Identifiers: ClinVar variation 1925508 (VCV001925508.29), dbSNP rs747139890, ClinGen allele CA3520640.

ClinVar aggregate classification (germline): Likely benign. Review status: criteria provided, multiple submitters, no conflicts (2 of 4 stars). 2 submissions from 2 submitters: Likely benign (2). Last evaluated 2025-10-03.

Allele frequency attached by ClinVar (database versions not stated): gnomAD exomes below 0.00001; ExAC 0.00001; gnomAD 0.00001.
gnomAD v4.1: 7 of 1,611,720 alleles (0.00043%); highest among the groups gnomAD compares: Admixed American, 0.005%; no homozygotes.

Submissions (2):

Labcorp Genetics (formerly Invitae), Labcorp
Classification: Likely benign. Last evaluated: 2025-10-03. Review status: criteria provided, single submitter. Criteria: Invitae Variant Classification Sherloc (09022015). Collection method: clinical testing. Allele origin: germline.

CeGaT Center for Human Genetics Tuebingen
Classification: Likely benign. Last evaluated: 2023-01-01. Review status: criteria provided, single submitter. Criteria: CeGaT Center For Human Genetics Tuebingen Variant Classification Criteria Version 2. Collection method: clinical testing. Allele origin: germline. Affected: yes. Observed: 1 variant allele.
Comment: FAT2: BP4, BP7